The following is an entry in ClinVar:

ClinVar aggregate classification (germline): Uncertain significance (1 of 4 stars; one submission).

Conditions:
Dextro-looped transposition of the great arteries. Also called: Dextrotransposition of the great arteries. Identifiers: Orphanet 860, MedGen C3531771, MONDO:0019443, OMIM 608808, HP:0031348.

Submission:

Labcorp Genetics (formerly Invitae), Labcorp
Classification: Uncertain significance for Dextro-looped transposition of the great arteries. Last evaluated: 2022-07-24. Review status: criteria provided, single submitter. Criteria: Invitae Variant Classification Sherloc (09022015). Collection method: clinical testing. Allele origin: germline.
Comment: This sequence change replaces histidine, which is basic and polar, with arginine, which is basic and polar, at codon 694 of the MED13L protein (p.His694Arg). This variant is not present in population databases (gnomAD no frequency). This variant has not been reported in the literature in individuals affected with MED13L-related conditions. Advanced modeling of protein sequence and biophysical properties (such as structural, functional, and spatial information, amino acid conservation, physicochemical variation, residue mobility, and thermodynamic stability) performed at Invitae indicates that this missense variant is not expected to disrupt MED13L protein function. In summary, the available evidence is currently insufficient to determine the role of this variant in disease. Therefore, it has been classified as a Variant of Uncertain Significance.

NM_015335.5(MED13L):c.2081A>G (p.His694Arg)

Gene: MED13L (mediator complex subunit 13L; minus strand). Cytogenetic location: 12q24.21.
Variant type: single nucleotide variant.
Coding change: c.2081A>G on transcript NM_015335.5 (MANE Select); coding-DNA position 2081, A replaced by G.
Protein change: p.His694Arg; replaces histidine 694 with arginine.
Molecular consequence: missense variant.
Genome position (GRCh38, 1-based): chr12:116,007,568, T>C on the plus strand (A>G on the coding strand, the complement: MED13L is on the minus strand). VCF-style: chr12-116007568-T-C. GRCh37 (hg19) VCF-style: chr12-116445373-T-C.
Other names: short protein forms H694R.
Identifiers: ClinVar variation 2016942 (VCV002016942.4), dbSNP rs2499906418, ClinGen allele CA386894600.